The following is an entry in ClinVar:

ClinVar aggregate classification (germline): Conflicting classifications of pathogenicity. Review status: criteria provided, conflicting classifications (1 of 4 stars). 3 submissions from 3 submitters: Uncertain significance (2); Likely benign (1). Last evaluated 2025-05-07.

Conditions:
Familial sleep-related hypermotor epilepsy. Also called: Autosomal Dominant Sleep-Related Hypermotor (Hyperkinetic) Epilepsy. Identifiers: Orphanet 98784, MedGen C3696898, MONDO:0000030.
Autosomal dominant nocturnal frontal lobe epilepsy 4. Also called: CHRNA2-Related Nocturnal Frontal Lobe Epilepsy, Autosomal Dominant; EPILEPSY, FAMILIAL, WITH NOCTURNAL WANDERING AND ICTAL FEAR. Identifiers: Orphanet 98784, MedGen C1835905, MONDO:0012474, OMIM 610353.

Submissions (3):

Labcorp Genetics (formerly Invitae), Labcorp
Classification: Likely benign. Last evaluated: 2025-05-07. Review status: criteria provided, single submitter. Criteria: Invitae Variant Classification Sherloc (09022015). Collection method: clinical testing. Allele origin: germline.

Fulgent Genetics
Classification: Uncertain significance for Autosomal dominant nocturnal frontal lobe epilepsy 4. Last evaluated: 2022-02-14. Review status: criteria provided, single submitter. Criteria: ACMG Guidelines, 2015. Collection method: clinical testing. Allele origin: unknown.

GeneDx
Classification: Uncertain significance. Last evaluated: 2018-05-18. Review status: criteria provided, single submitter. Criteria: GeneDx Variant Classification (06012015). Collection method: clinical testing. Allele origin: germline. Affected: yes.
Comment: A variant of uncertain significance has been identified in the CHRNA2 gene. The c.1393delC variant has not been published as a pathogenic variant, nor has it been reported as a benign variant to our knowledge. The c.1393delC variant is observed in 1/24030 (0.004%) alleles from individuals of African background in large population cohorts (Lek et al., 2016). The c.1393delC variant in the CHRNA2 gene causes a frameshift starting with codon Histidine 465, changes this amino acid to a Threonine residue and creates a premature Stop codon at position 25 of the new reading frame, denoted p.His465ThrfsX25. This frameshift variant is predicted to result in protein truncation as the last 65 amino acids are lost and replaced with 24 incorrect amino acids. However, loss-of-function variants have not been reported downstream of this position in the protein. Therefore, based on the currently available information, it is unclear whether this variant is a pathogenic variant or a rare benign variant.

NM_000742.4(CHRNA2):c.1393del (p.His465fs)

Gene: CHRNA2 (cholinergic receptor nicotinic alpha 2 subunit; minus strand). Cytogenetic location: 8p21.2.
Variant type: Deletion.
Coding change: c.1393del on transcript NM_000742.4 (MANE Select); coding-DNA position 1393, one base deleted (C; older notation c.1393delC).
Protein change: p.His465fs; shifts the reading frame from histidine 465.
Molecular consequence: frameshift variant.
Genome position (GRCh38, 1-based): chr8:27,463,050, G deleted on the plus strand (C on the coding strand, the reverse complement: CHRNA2 is on the minus strand); the first of 4 consecutive G bases (chr8:27,463,050-27,463,053); deleting any one gives the same sequence. VCF-style (leftmost placement, unchanged base first): chr8-27463049-TG-T. GRCh37 (hg19) VCF-style: chr8-27320566-TG-T.
Other names: c.1393del (NM_000742.3); c.1348del, p.His450fs (NM_001282455.2); c.916del, p.His306fs (NM_001347705.2, NM_001347706.2); c.799del, p.His267fs (NM_001347707.2, NM_001347708.2); short protein forms H465fs, H267fs, H306fs, H450fs.
Identifiers: ClinVar variation 545945 (VCV000545945.10), dbSNP rs1394301488, ClinGen allele CA580667920.